The following is an entry in ClinVar:

NM_000350.3(ABCA4):c.2210T>C (p.Leu737Ser)

Gene: ABCA4 (ATP binding cassette subfamily A member 4; minus strand). Cytogenetic location: 1p22.1.
Variant type: single nucleotide variant.
Coding change: c.2210T>C on transcript NM_000350.3 (MANE Select); coding-DNA position 2210, T replaced by C.
Protein change: p.Leu737Ser; replaces leucine 737 with serine.
Molecular consequence: missense variant. On other transcripts: intron variant (1).
Genome position (GRCh38, 1-based): chr1:94,056,773, A>G on the plus strand (T>C on the coding strand, the complement: ABCA4 is on the minus strand). VCF-style: chr1-94056773-A-G. GRCh37 (hg19) VCF-style: chr1-94522329-A-G.
Other names: c.2161-1458T>C (NM_001425324.1); short protein forms L737S.
Identifiers: ClinVar variation 3660347 (VCV003660347.2).

ClinVar aggregate classification (germline): Likely pathogenic (1 of 4 stars; one submission).

Submission:

Labcorp Genetics (formerly Invitae), Labcorp
Classification: Likely pathogenic. Last evaluated: 2025-02-25. Review status: criteria provided, single submitter. Criteria: Invitae Variant Classification Sherloc (09022015). Collection method: clinical testing. Allele origin: germline.
Comment: This sequence change replaces leucine, which is neutral and non-polar, with serine, which is neutral and polar, at codon 737 of the ABCA4 protein (p.Leu737Ser). This variant is not present in population databases (gnomAD no frequency). This missense change has been observed in individual(s) with clinical features of Stargardt disease (internal data). In at least one individual the data is consistent with being in trans (on the opposite chromosome) from a pathogenic variant. Invitae Evidence Modeling of protein sequence and biophysical properties (such as structural, functional, and spatial information, amino acid conservation, physicochemical variation, residue mobility, and thermodynamic stability) indicates that this missense variant is expected to disrupt ABCA4 protein function with a positive predictive value of 95%. In summary, the currently available evidence indicates that the variant is pathogenic, but additional data are needed to prove that conclusively. Therefore, this variant has been classified as Likely Pathogenic.